The following is an entry in ClinVar:

ClinVar aggregate classification (germline): Uncertain significance (1 of 4 stars; one submission).

Conditions:
Pierpont syndrome (PRPTS). Identifiers: Orphanet 487825, MedGen C1865644, MONDO:0011213, OMIM 602342.

Allele frequency attached by ClinVar (database versions not stated): gnomAD exomes below 0.00001.
gnomAD v4.1: 1 of 1,593,464 alleles (0.000063%); no homozygotes.

Submission:

Labcorp Genetics (formerly Invitae), Labcorp
Classification: Uncertain significance for Pierpont syndrome. Last evaluated: 2025-08-15. Review status: criteria provided, single submitter. Criteria: Invitae Variant Classification Sherloc (09022015). Collection method: clinical testing. Allele origin: germline.
Comment: This sequence change replaces isoleucine, which is neutral and non-polar, with valine, which is neutral and non-polar, at codon 78 of the TBL1XR1 protein (p.Ile78Val). This variant is present in population databases (no rsID available, gnomAD 0.005%). This variant has not been reported in the literature in individuals affected with TBL1XR1-related conditions. ClinVar contains an entry for this variant (Variation ID: 863350). Invitae Evidence Modeling of protein sequence and biophysical properties (such as structural, functional, and spatial information, amino acid conservation, physicochemical variation, residue mobility, and thermodynamic stability) indicates that this missense variant is not expected to disrupt TBL1XR1 protein function with a negative predictive value of 95%. In summary, the available evidence is currently insufficient to determine the role of this variant in disease. Therefore, it has been classified as a Variant of Uncertain Significance.

NM_024665.7(TBL1XR1):c.232A>G (p.Ile78Val)

Gene: TBL1XR1 (TBL1X/Y related 1; minus strand). Cytogenetic location: 3q26.32.
Variant type: single nucleotide variant.
Coding change: c.232A>G on transcript NM_024665.7 (MANE Select); coding-DNA position 232, A replaced by G.
Protein change: p.Ile78Val; replaces isoleucine 78 with valine.
Molecular consequence: missense variant. On other transcripts: 5 prime UTR variant (2).
Genome position (GRCh38, 1-based): chr3:177,051,699, T>C on the plus strand (A>G on the coding strand, the complement: TBL1XR1 is on the minus strand). VCF-style: chr3-177051699-T-C. GRCh37 (hg19) VCF-style: chr3-176769487-T-C.
Other names: c.232A>G, p.Ile78Val (NM_001321193.3, NM_001321194.3, NM_001374327.1 and 2 more transcripts); c.-30A>G (NM_001321195.3, NM_001374330.1); short protein forms I78V.
Identifiers: ClinVar variation 863350 (VCV000863350.9), dbSNP rs935282343, ClinGen allele CA89089417.